The following is an entry in ClinVar:

NM_194255.4(SLC19A1):c.1753G>T (p.Gly585Cys)

Gene: SLC19A1 (solute carrier family 19 member 1; minus strand). Cytogenetic location: 21q22.3.
Variant type: single nucleotide variant.
Coding change: c.1753G>T on transcript NM_194255.4 (MANE Select); coding-DNA position 1753, G replaced by T.
Protein change: p.Gly585Cys; replaces glycine 585 with cysteine.
Molecular consequence: missense variant. On other transcripts: intron variant (2).
Genome position (GRCh38, 1-based): chr21:45,515,681, C>A on the plus strand (G>T on the coding strand, the complement: SLC19A1 is on the minus strand). VCF-style: chr21-45515681-C-A. GRCh37 (hg19) VCF-style: chr21-46935595-C-A.
Other names: c.1633G>T, p.Gly545Cys (NM_001205207.3); c.1399G>T, p.Gly467Cys (NM_001352510.2); c.1753G>T, p.Gly585Cys (NM_001352512.2); c.1294-529G>T (NM_001352511.3, NM_001205206.4); short protein forms G467C, G585C, G545C.
Identifiers: ClinVar variation 2222071 (VCV002222071.3), dbSNP rs144916610, ClinGen allele CA10068217.
Genomic context (GRCh38, chr21:45,515,681, plus strand): 5'-GGGCCGCCTGCAAAGTTACCACAGGGGCGCCCGAGAGTCACTGGTTCACATTCTGAACAC[C>A]GTCGCTTGGAAGACACTGCAAACCCAGCTTGCTGACACCAGGAGGATGGACAGCCAGCTG-3'
Protein context (NP_919231.1, residues 575-591): KLGLQCLPSD[Gly585Cys]VQNVNQ

ClinVar aggregate classification (germline): Uncertain significance. Review status: criteria provided, multiple submitters, no conflicts (2 of 4 stars). 2 submissions from 2 submitters: Uncertain significance (2). Last evaluated 2025-04-02.

Allele frequency attached by ClinVar (database versions not stated): ESP Exome Variant Server 0.00015.
gnomAD v4.1: 42 of 1,613,550 alleles (0.0026%); highest among the groups gnomAD compares: Admixed American, 0.0033%; no homozygotes.

Submissions (2):

Labcorp Genetics (formerly Invitae), Labcorp
Classification: Uncertain significance. Last evaluated: 2025-04-02. Review status: criteria provided, single submitter. Criteria: Invitae Variant Classification Sherloc (09022015). Collection method: clinical testing. Allele origin: germline.
Comment: This sequence change replaces glycine, which is neutral and non-polar, with cysteine, which is neutral and slightly polar, at codon 585 of the SLC19A1 protein (p.Gly585Cys). This variant is present in population databases (rs144916610, gnomAD 0.006%). This variant has not been reported in the literature in individuals affected with SLC19A1-related conditions. ClinVar contains an entry for this variant (Variation ID: 2222071). An algorithm developed to predict the effect of missense changes on protein structure and function (PolyPhen-2) suggests that this variant is likely to be tolerated. In summary, the available evidence is currently insufficient to determine the role of this variant in disease. Therefore, it has been classified as a Variant of Uncertain Significance.

Ambry Genetics
Classification: Uncertain significance. Last evaluated: 2022-12-13. Review status: criteria provided, single submitter. Criteria: Ambry Variant Classification Scheme 2023. Collection method: clinical testing. Allele origin: germline.